The following is an entry in ClinVar:

ClinVar aggregate classification (germline): Conflicting classifications of pathogenicity. Review status: criteria provided, conflicting classifications (1 of 4 stars). 7 submissions from 7 submitters: Uncertain significance (1); Likely benign (6). Last evaluated 2026-03-01.

Conditions:
Meniere disease. Also called: Ménière's disease. Identifiers: MedGen C0025281, MONDO:0007972, OMIM 156000.

Allele frequency attached by ClinVar (database versions not stated): 1000 Genomes Project 30x 0.00172; 1000 Genomes Project 0.00180; gnomAD exomes 0.00276; ExAC 0.00295; gnomAD 0.00308 and 0.00309; TOPMed 0.00330.
gnomAD v4.1: 6,358 of 1,549,308 alleles (0.41%); highest among the groups gnomAD compares: Non-Finnish European, 0.49%; 20 homozygotes.

Submissions (7):

CeGaT Center for Human Genetics Tuebingen
Classification: Likely benign. Last evaluated: 2026-03-01. Review status: criteria provided, single submitter. Criteria: CeGaT Center For Human Genetics Tuebingen Variant Classification Criteria Version 2. Collection method: clinical testing. Allele origin: germline. Affected: yes. Observed: 5 variant alleles.
Comment: OTOG: BP4, BS2

Labcorp Genetics (formerly Invitae), Labcorp
Classification: Likely benign. Last evaluated: 2025-12-16. Review status: criteria provided, single submitter. Criteria: Invitae Variant Classification Sherloc (09022015). Collection method: clinical testing. Allele origin: germline.

Blueprint Genetics
Classification: Likely benign. Last evaluated: 2024-11-25. Review status: criteria provided, single submitter. Criteria: ACMG Guidelines, 2015. Collection method: clinical testing. Allele origin: germline.

GeneDx
Classification: Likely benign. Last evaluated: 2021-03-22. Review status: criteria provided, single submitter. Criteria: GeneDx Variant Classification Process June 2021. Collection method: clinical testing. Allele origin: germline. Affected: yes.

Otology & Neurotology- Genomics of vestibular disorders (CTS-495), Jose Antonio López Escámez, Centro Pfizer - Universidad de Granada - Junta de Andalucía de Genómica e Investigación Oncológica (GENYO)
Classification: Uncertain significance for Meniere disease. Last evaluated: 2020-01-01. Review status: criteria provided, single submitter. Criteria: ACMG Guidelines, 2015. Collection method: case-control. Allele origin: germline. Affected: yes. Observed: 2 variant alleles, 2 heterozygotes. Clinical features observed: Sensorineural hearing loss (HP:0000407), Vertigo (HP:0002321), Tinnitus (HP:0000360).

Laboratory for Molecular Medicine, Mass General Brigham Personalized Medicine
Classification: Likely benign. Last evaluated: 2017-06-06. Review status: criteria provided, single submitter. Criteria: LMM Criteria. Collection method: clinical testing. Allele origin: germline. Observed: 8 variant alleles.
Comment: p.Arg2556Gln in exon 45 of OTOG: This variant is not expected to have clinical s ignificance because it has been identified in 0.5% (292/61730) of European chrom osomes, including 1 homozygote, by the Genome Aggregation Database (gnomAD; dbSNP rs76461792).

Eurofins Ntd Llc (ga)
Classification: Likely benign. Last evaluated: 2017-01-20. Review status: criteria provided, single submitter. Criteria: EGL Classification Definitions 2015. Collection method: clinical testing. Allele origin: germline. Observed: 2 variant alleles, 2 heterozygotes.

NM_001292063.2(OTOG):c.7631G>A (p.Arg2544Gln)

Gene: OTOG (otogelin; plus strand). Cytogenetic location: 11p15.1.
Variant type: single nucleotide variant.
Coding change: c.7631G>A on transcript NM_001292063.2 (MANE Select); coding-DNA position 7631, G replaced by A.
Protein change: p.Arg2544Gln; replaces arginine 2544 with glutamine.
Molecular consequence: missense variant.
Genome position (GRCh38, 1-based): chr11:17,635,125, G>A. VCF-style: chr11-17635125-G-A. GRCh37 (hg19) VCF-style: chr11-17656672-G-A.
Other names: c.[7667G>A] (NM_001277269.2); c.7667G>A, p.Arg2556Gln (NM_001277269.2); short protein forms R2556Q, R2544Q.
Identifiers: ClinVar variation 227796 (VCV000227796.45), dbSNP rs76461792, ClinGen allele CA5906154.